The following is an entry in ClinVar:

ClinVar aggregate classification (germline): Pathogenic (1 of 4 stars; one submission).

Conditions:
Coffin-Siris syndrome 1 (CSS1). Also called: Mental retardation, autosomal dominant 12; ARID1B-Related Coffin-Siris Syndrome. Identifiers: Orphanet 1465, MedGen C3281201, MONDO:0007617, OMIM 135900. Disease mechanism: gain of function.

Submission:

Greenwood Genetic Center Diagnostic Laboratories, Greenwood Genetic Center
Classification: Pathogenic for Coffin-Siris syndrome 1. Last evaluated: 2021-04-23. Review status: criteria provided, single submitter. Criteria: ACMG Guidelines, 2015. Collection method: clinical testing. Allele origin: germline. Affected: yes.
Comment: PVS1, PS2, PM2

NM_001374828.1(ARID1B):c.4215del (p.Phe1405fs)

Gene: ARID1B (AT-rich interaction domain 1B; plus strand). Cytogenetic location: 6q25.3.
Variant type: Deletion.
Coding change: c.4215del on transcript NM_001374828.1 (MANE Select); coding-DNA position 4215, one base deleted (T; older notation c.4215delT).
Protein change: p.Phe1405fs; shifts the reading frame from phenylalanine 1405.
Molecular consequence: frameshift variant.
Genome position (GRCh38, 1-based): chr6:157,190,194, T deleted; the last of 3 consecutive T bases (chr6:157,190,192-157,190,194); deleting any one gives the same sequence. VCF-style (leftmost placement, unchanged base first): chr6-157190191-CT-C. GRCh37 (hg19) VCF-style: chr6-157511325-CT-C.
Other names: c.1716del, p.Phe572fs (NM_001363725.2); c.4095del, p.Phe1365fs (NM_001371656.1, NM_001374820.1); c.4056del, p.Phe1352fs (NM_017519.3); short protein forms F1352fs, F1365fs, F1405fs, F572fs.
Identifiers: ClinVar variation 1334504 (VCV001334504.4), dbSNP rs2128339990, ClinGen allele CA2573052639.